The following is an entry in ClinVar:

ClinVar aggregate classification (germline): Uncertain significance (1 of 4 stars; one submission).

Submission:

Labcorp Genetics (formerly Invitae), Labcorp
Classification: Uncertain significance. Last evaluated: 2024-02-22. Review status: criteria provided, single submitter. Criteria: Invitae Variant Classification Sherloc (09022015). Collection method: clinical testing. Allele origin: germline.
Comment: This sequence change replaces serine, which is neutral and polar, with proline, which is neutral and non-polar, at codon 932 of the SCN3A protein (p.Ser932Pro). This variant is not present in population databases (gnomAD no frequency). This variant has not been reported in the literature in individuals affected with SCN3A-related conditions. ClinVar contains an entry for this variant (Variation ID: 1500066). Advanced modeling of protein sequence and biophysical properties (such as structural, functional, and spatial information, amino acid conservation, physicochemical variation, residue mobility, and thermodynamic stability) performed at Invitae indicates that this missense variant is not expected to disrupt SCN3A protein function with a negative predictive value of 95%. In summary, the available evidence is currently insufficient to determine the role of this variant in disease. Therefore, it has been classified as a Variant of Uncertain Significance.

NM_006922.4(SCN3A):c.2794T>C (p.Ser932Pro)

Gene: SCN3A (sodium voltage-gated channel alpha subunit 3; minus strand). Cytogenetic location: 2q24.3.
Variant type: single nucleotide variant.
Coding change: c.2794T>C on transcript NM_006922.4 (MANE Select); coding-DNA position 2794, T replaced by C.
Protein change: p.Ser932Pro; replaces serine 932 with proline.
Molecular consequence: missense variant.
Genome position (GRCh38, 1-based): chr2:165,130,068, A>G on the plus strand (T>C on the coding strand, the complement: SCN3A is on the minus strand). VCF-style: chr2-165130068-A-G. GRCh37 (hg19) VCF-style: chr2-165986578-A-G.
Other names: c.2647T>C, p.Ser883Pro (NM_001081676.2, NM_001081677.2); short protein forms S932P, S883P.
Identifiers: ClinVar variation 1500066 (VCV001500066.8), dbSNP rs2105772071, ClinGen allele CA349042507.
Genomic context (GRCh38, chr2:165,130,068, plus strand): 5'-TACAGTCCCACATGGTCTCTATCCACTCTCCACACAGCACGCGGAACACAATCAGGAAGG[A>G]GTGGAAGAAGTCGTTCATGTGCCACCGTGGGAGCGTACAGTCATCATTGATCTTGCAGAC-3'
Protein context (NP_008853.3, residues 922-942): PRWHMNDFFH[Ser932Pro]FLIVFRVLCG